The following is an entry in ClinVar:

NM_004100.5(EYA4):c.242G>A (p.Trp81Ter)

Gene: EYA4 (EYA transcriptional coactivator and phosphatase 4; plus strand). Cytogenetic location: 6q23.2.
Variant type: single nucleotide variant.
Coding change: c.242G>A on transcript NM_004100.5 (MANE Select); coding-DNA position 242, G replaced by A.
Protein change: p.Trp81Ter; replaces tryptophan 81 with a stop codon.
Molecular consequence: nonsense. On other transcripts: intron variant (4).
Genome position (GRCh38, 1-based): chr6:133,448,144, G>A. VCF-style: chr6-133448144-G-A. GRCh37 (hg19) VCF-style: chr6-133769282-G-A.
Other names: c.242G>A, p.Trp81Ter (NM_001301013.2, NM_172105.4); c.208+1390G>A (NM_001370458.1, NM_172103.4, NM_001370459.1 and 1 more transcripts); short protein forms W81*.
Identifiers: ClinVar variation 1965243 (VCV001965243.7), dbSNP rs922202185, ClinGen allele CA148398912.

ClinVar aggregate classification (germline): Pathogenic/Likely pathogenic. Review status: criteria provided, multiple submitters, no conflicts (2 of 4 stars). 2 submissions from 2 submitters: Pathogenic (1); Likely pathogenic (1). Last evaluated 2026-04-30.

Conditions:
Autosomal dominant nonsyndromic hearing loss 10. Identifiers: Orphanet 90635, MedGen C1832476, MONDO:0011031, OMIM 601316.
Dilated cardiomyopathy 1J (CMD1J). Also called: CARDIOMYOPATHY, DILATED, WITH SENSORINEURAL HEARING LOSS, AUTOSOMAL DOMINANT. Identifiers: Orphanet 217622, MedGen C1854368, MONDO:0011541, OMIM 605362.

Submissions (2):

Laboratory of Molecular, Cellular and Translation Genetics in Otolaryngology/ Lim32-hcfmusp, University of Sao Paulo School of Medicine Clinics Hospital
Classification: Likely pathogenic for Autosomal dominant nonsyndromic hearing loss 10. Last evaluated: 2026-04-30. Review status: criteria provided, single submitter. Criteria: ACMG Guidelines, 2015. Collection method: research. Allele origin: germline. Affected: yes.
Comment: NM_004100.5:c.242G>A:p.(Trp81*). This variant has been classified as likely pathogenic. It is rare in population databases (PM2_supporting) and represents a nonsense (loss-of-function) variant in a gene in which loss of function is an established disease mechanism (PVS1). The variant is predicted to result in nonsense-mediated mRNA decay. In addition, in silico tools (SpliceAI) predict a potential impact on splicing due to acceptor site loss (moderate confidence, score 0.35). Overall, these findings support the causative role of this variant in the proband, most consistent with autosomal dominant nonsyndromic hearing loss as described in PMID: 42233699.

Labcorp Genetics (formerly Invitae), Labcorp
Classification: Pathogenic for Dilated cardiomyopathy 1J. Last evaluated: 2021-12-23. Review status: criteria provided, single submitter. Criteria: Invitae Variant Classification Sherloc (09022015). Collection method: clinical testing. Allele origin: germline.
Comment: This sequence change creates a premature translational stop signal (p.Trp81*) in the EYA4 gene. It is expected to result in an absent or disrupted protein product. Loss-of-function variants in EYA4 are known to be pathogenic (PMID: 11159937, 25781927, 25963406). This variant is not present in population databases (gnomAD no frequency). This variant has not been reported in the literature in individuals affected with EYA4-related conditions. For these reasons, this variant has been classified as Pathogenic.

Literature cited by the submitters: PubMed 42233699 (cited by Laboratory of Molecular, Cellular and Translation Genetics in Otolaryngology/ Lim32-hcfmusp, University of Sao Paulo School of Medicine Clinics Hospital); PubMed 11159937 (cited by Labcorp Genetics (formerly Invitae), Labcorp); PubMed 25781927 (cited by Labcorp Genetics (formerly Invitae), Labcorp); PubMed 25963406 (cited by Labcorp Genetics (formerly Invitae), Labcorp).